The following is an entry in ClinVar:

NM_001378609.3(OTOGL):c.119+1G>A

Gene: OTOGL (otogelin like; plus strand). Cytogenetic location: 12q21.31.
Variant type: single nucleotide variant.
Coding change: c.119+1G>A on transcript NM_001378609.3 (MANE Select); the canonical splice donor site of the intron after coding-DNA position 119, G replaced by A.
Molecular consequence: splice donor variant.
Genome position (GRCh38, 1-based): chr12:80,210,887, G>A. VCF-style: chr12-80210887-G-A. GRCh37 (hg19) VCF-style: chr12-80604667-G-A.
Other names: c.119+1G>A (NM_001368062.3, NM_001378610.3, NM_173591.7).
Identifiers: ClinVar variation 3076007 (VCV003076007.1), dbSNP rs190997924, ClinGen allele CA240193926.
Genomic context (GRCh38, chr12:80,210,887, plus strand): 5'-TATATATTTGTCTCTGGCAGAATATATTTGTGCATCGTCTATATTGATGGGAACATCAAA[G>A]TGAGTATTTCTTGTTCTTCGTGTCCTCTAAAACATAAAGTTAATGGGAATGAGCAAACCT-3'

ClinVar aggregate classification (germline): Likely pathogenic (1 of 4 stars; one submission).

Conditions:
Rare genetic deafness. Identifiers: Orphanet 96210, MedGen C5680250.

Allele frequency attached by ClinVar (database versions not stated): gnomAD exomes below 0.00001; gnomAD 0.00001; TOPMed 0.00001; 1000 Genomes Project 0.00020; 1000 Genomes Project 30x 0.00031.
gnomAD v4.1: 5 of 1,481,036 alleles (0.00034%); highest among the groups gnomAD compares: East Asian, 0.01%; no homozygotes.

Submission:

Laboratory for Molecular Medicine, Mass General Brigham Personalized Medicine
Classification: Likely pathogenic for Rare genetic deafness. Last evaluated: 2022-06-30. Review status: criteria provided, single submitter. Criteria: ACMG Guidelines, 2015. Collection method: clinical testing. Allele origin: germline.
Comment: The c.92+1G>A variant in OTOGL has not been previously reported in individuals with nonsyndromic hearing loss and was absent from large population studies. This variant occurs within the canonical splice site (+/- 1,2) and is predicted to cause altered splicing leading to an abnormal or absent protein. Loss of function of the OTOGL gene is an established disease mechanism in autosomal recessive nonsyndromic hearing loss. In summary, although additional studies are required to fully establish its clinical significance, this variant meets criteria to be classified as likely pathogenic for autosomal recessive nonsyndromic hearing loss. ACMG/AMP criteria applied: PVS1, PM2_Supporting.